The following is an entry in ClinVar:

ClinVar aggregate classification (germline): Uncertain significance (1 of 4 stars; one submission).

Conditions:
Meckel syndrome, type 11 (MKS11). Identifiers: Orphanet 564, MedGen C3809352, MONDO:0014164, OMIM 615397.
Joubert syndrome 20 (JBTS20). Identifiers: Orphanet 475, MedGen C3554235, MONDO:0013994, OMIM 614970.

Allele frequency attached by ClinVar (database versions not stated): gnomAD exomes below 0.00001.

Submission:

Labcorp Genetics (formerly Invitae), Labcorp
Classification: Uncertain significance for Joubert syndrome 20; Meckel syndrome, type 11. Last evaluated: 2023-07-17. Review status: criteria provided, single submitter. Criteria: Invitae Variant Classification Sherloc (09022015). Collection method: clinical testing. Allele origin: germline.
Comment: This sequence change replaces leucine, which is neutral and non-polar, with phenylalanine, which is neutral and non-polar, at codon 122 of the TMEM231 protein (p.Leu122Phe). This variant is not present in population databases (gnomAD no frequency). This variant has not been reported in the literature in individuals affected with TMEM231-related conditions. ClinVar contains an entry for this variant (Variation ID: 1966576). Algorithms developed to predict the effect of missense changes on protein structure and function output the following: SIFT: "Not Available"; PolyPhen-2: "Not Available"; Align-GVGD: "Not Available". The phenylalanine amino acid residue is found in multiple mammalian species, which suggests that this missense change does not adversely affect protein function. In summary, the available evidence is currently insufficient to determine the role of this variant in disease. Therefore, it has been classified as a Variant of Uncertain Significance.

NM_001077418.3(TMEM231):c.205C>T (p.Leu69Phe)

Gene: TMEM231 (transmembrane protein 231; minus strand). Cytogenetic location: 16q23.1.
Variant type: single nucleotide variant.
Coding change: c.205C>T on transcript NM_001077418.3 (MANE Select); coding-DNA position 205, C replaced by T.
Protein change: p.Leu69Phe; replaces leucine 69 with phenylalanine.
Molecular consequence: missense variant. On other transcripts: non-coding transcript variant (1).
Genome position (GRCh38, 1-based): chr16:75,555,908, G>A on the plus strand (C>T on the coding strand, the complement: TMEM231 is on the minus strand). VCF-style: chr16-75555908-G-A. GRCh37 (hg19) VCF-style: chr16-75589806-G-A.
Other names: c.364C>T, p.Leu122Phe (NM_001077416.2); short protein forms L69F, L122F.
Identifiers: ClinVar variation 1966576 (VCV001966576.5), dbSNP rs1014699129, ClinGen allele CA283890912.